The following is an entry in ClinVar:

ClinVar aggregate classification (germline): Uncertain significance. Review status: criteria provided, multiple submitters, no conflicts (2 of 4 stars). 2 submissions from 2 submitters: Uncertain significance (2). Last evaluated 2022-05-19.

Conditions:
Inborn genetic diseases. Identifiers: MedGen C0950123, MeSH D030342.

Allele frequency attached by ClinVar (database versions not stated): ExAC 0.00001; gnomAD exomes 0.00001; gnomAD 0.00005; TOPMed 0.00007.
gnomAD v4.1: 24 of 1,613,818 alleles (0.0015%); highest among the groups gnomAD compares: African/African-American, 0.016%; 1 homozygote.

Submissions (2):

Labcorp Genetics (formerly Invitae), Labcorp
Classification: Uncertain significance. Last evaluated: 2022-05-19. Review status: criteria provided, single submitter. Criteria: Invitae Variant Classification Sherloc (09022015). Collection method: clinical testing. Allele origin: germline.
Comment: This sequence change replaces proline, which is neutral and non-polar, with leucine, which is neutral and non-polar, at codon 517 of the SLCO2A1 protein (p.Pro517Leu). This variant is present in population databases (rs773837399, gnomAD 0.01%), including at least one homozygous and/or hemizygous individual. This variant has not been reported in the literature in individuals affected with SLCO2A1-related conditions. Algorithms developed to predict the effect of missense changes on protein structure and function are either unavailable or do not agree on the potential impact of this missense change (SIFT: "Tolerated"; PolyPhen-2: "Probably Damaging"; Align-GVGD: "Class C0"). In summary, the available evidence is currently insufficient to determine the role of this variant in disease. Therefore, it has been classified as a Variant of Uncertain Significance.

Ambry Genetics
Classification: Uncertain significance for Inborn genetic diseases. Last evaluated: 2021-08-12. Review status: criteria provided, single submitter. Criteria: Ambry Variant Classification Scheme 2023. Collection method: clinical testing. Allele origin: germline.

NM_005630.3(SLCO2A1):c.1550C>T (p.Pro517Leu)

Gene: SLCO2A1 (solute carrier organic anion transporter family member 2A1; minus strand). Cytogenetic location: 3q22.1.
Variant type: single nucleotide variant.
Coding change: c.1550C>T on transcript NM_005630.3 (MANE Select); coding-DNA position 1550, C replaced by T.
Protein change: p.Pro517Leu; replaces proline 517 with leucine.
Molecular consequence: missense variant.
Genome position (GRCh38, 1-based): chr3:133,942,680, G>A on the plus strand (C>T on the coding strand, the complement: SLCO2A1 is on the minus strand). VCF-style: chr3-133942680-G-A. GRCh37 (hg19) VCF-style: chr3-133661524-G-A.
Other names: c.1550C>T (NM_005630.2); short protein forms P517L.
Identifiers: ClinVar variation 2361833 (VCV002361833.5), dbSNP rs773837399, ClinGen allele CA2626420.